The following is an entry in ClinVar:

ClinVar aggregate classification (germline): Uncertain significance (1 of 4 stars; one submission).

Submission:

Labcorp Genetics (formerly Invitae), Labcorp
Classification: Uncertain significance. Last evaluated: 2024-06-10. Review status: criteria provided, single submitter. Criteria: Invitae Variant Classification Sherloc (09022015). Collection method: clinical testing. Allele origin: germline.
Comment: This sequence change falls in intron 8 of the DDX3X gene. It does not directly change the encoded amino acid sequence of the DDX3X protein. It affects a nucleotide within the consensus splice site. This variant is not present in population databases (gnomAD no frequency). This variant has not been reported in the literature in individuals affected with DDX3X-related conditions. Variants that disrupt the consensus splice site are a relatively common cause of aberrant splicing (PMID: 17576681, 9536098). Algorithms developed to predict the effect of sequence changes on RNA splicing suggest that this variant is not likely to affect RNA splicing. In summary, the available evidence is currently insufficient to determine the role of this variant in disease. Therefore, it has been classified as a Variant of Uncertain Significance.

Literature cited by the submitters: PubMed 17576681; PubMed 9536098.

NM_001356.5(DDX3X):c.765+5A>G

Gene: DDX3X (DEAD-box helicase 3 X-linked; plus strand). Cytogenetic location: Xp11.4.
Variant type: single nucleotide variant.
Coding change: c.765+5A>G on transcript NM_001356.5 (MANE Select); 5 bases into the intron after coding-DNA position 765, A replaced by G.
Molecular consequence: intron variant.
Genome position (GRCh38, 1-based): chrX:41,343,827, A>G. VCF-style: chrX-41343827-A-G. GRCh37 (hg19) VCF-style: chrX-41203080-A-G.
Other names: c.765+5A>G (NM_001193416.3); c.717+5A>G (NM_001193417.3); c.207+5A>G (NM_001363819.1).
Identifiers: ClinVar variation 3656115 (VCV003656115.2).
Genomic context (GRCh38, chrX:41,343,827, plus strand): 5'-CCATCTTGAGTCAGATTTATTCAGATGGTCCAGGCGAGGCTTTGAGGGCCATGAAGGTAG[A>G]TGTTTCTTTATAAAATGGGAAATTGTAGAACTTTGTAGGTGGCCATTGAGAGGGCTTTCT-3'